The following is an entry in ClinVar:

NM_016169.4(SUFU):c.968T>A (p.Val323Asp)

Gene: SUFU (SUFU negative regulator of hedgehog signaling; plus strand). Cytogenetic location: 10q24.32.
Variant type: single nucleotide variant.
Coding change: c.968T>A on transcript NM_016169.4 (MANE Select); coding-DNA position 968, T replaced by A.
Protein change: p.Val323Asp; replaces valine 323 with aspartic acid.
Molecular consequence: missense variant.
Genome position (GRCh38, 1-based): chr10:102,599,490, T>A. VCF-style: chr10-102599490-T-A. GRCh37 (hg19) VCF-style: chr10-104359247-T-A.
Other names: c.968T>A, p.Val323Asp (NM_001178133.2); short protein forms V323D.
Identifiers: ClinVar variation 823402 (VCV000823402.4), dbSNP rs1475601053, ClinGen allele CA377911107.

ClinVar aggregate classification (germline): Uncertain significance (1 of 4 stars; one submission).

Conditions:
Hereditary cancer-predisposing syndrome. Also called: Tumor predisposition; Hereditary Cancer Syndrome; Neoplastic Syndromes, Hereditary; Hereditary neoplastic syndrome. Identifiers: Orphanet 140162, MedGen C0027672, MeSH D009386, MONDO:0015356.

Allele frequency attached by ClinVar (database versions not stated): gnomAD exomes below 0.00001.
gnomAD v4.1: 1 of 1,614,164 alleles (0.000062%); highest among the groups gnomAD compares: South Asian, 0.0011%; no homozygotes.

Submission:

Ambry Genetics
Classification: Uncertain significance for Hereditary cancer-predisposing syndrome. Last evaluated: 2018-02-27. Review status: criteria provided, single submitter. Criteria: Ambry Variant Classification Scheme 2023. Collection method: clinical testing. Allele origin: germline.
Comment: The p.V323D variant (also known as c.968T>A), located in coding exon 8 of the SUFU gene, results from a T to A substitution at nucleotide position 968. The valine at codon 323 is replaced by aspartic acid, an amino acid with highly dissimilar properties. This amino acid position is well conserved in available vertebrate species. In addition, this alteration is predicted to be tolerated by in silico analysis. Since supporting evidence is limited at this time, the clinical significance of this alteration remains unclear.